The following is an entry in ClinVar:

ClinVar aggregate classification (germline): Uncertain significance (1 of 4 stars; one submission).

gnomAD v4.1: 5 of 1,614,036 alleles (0.00031%); highest among the groups gnomAD compares: Non-Finnish European, 0.00042%; no homozygotes.

Submission:

Labcorp Genetics (formerly Invitae), Labcorp
Classification: Uncertain significance. Last evaluated: 2022-11-22. Review status: criteria provided, single submitter. Criteria: Invitae Variant Classification Sherloc (09022015). Collection method: clinical testing. Allele origin: germline.
Comment: In summary, the available evidence is currently insufficient to determine the role of this variant in disease. Therefore, it has been classified as a Variant of Uncertain Significance. Advanced modeling of protein sequence and biophysical properties (such as structural, functional, and spatial information, amino acid conservation, physicochemical variation, residue mobility, and thermodynamic stability) performed at Invitae indicates that this missense variant is expected to disrupt LRP2 protein function. ClinVar contains an entry for this variant (Variation ID: 1426320). This variant has not been reported in the literature in individuals affected with LRP2-related conditions. This variant is present in population databases (no rsID available, gnomAD 0.01%). This sequence change replaces arginine, which is basic and polar, with leucine, which is neutral and non-polar, at codon 2225 of the LRP2 protein (p.Arg2225Leu).

NM_004525.3(LRP2):c.6674G>T (p.Arg2225Leu)

Gene: LRP2 (LDL receptor related protein 2; minus strand). Cytogenetic location: 2q31.1.
Variant type: single nucleotide variant.
Coding change: c.6674G>T on transcript NM_004525.3 (MANE Select); coding-DNA position 6674, G replaced by T.
Protein change: p.Arg2225Leu; replaces arginine 2225 with leucine.
Molecular consequence: missense variant.
Genome position (GRCh38, 1-based): chr2:169,207,046, C>A on the plus strand (G>T on the coding strand, the complement: LRP2 is on the minus strand). VCF-style: chr2-169207046-C-A. GRCh37 (hg19) VCF-style: chr2-170063556-C-A.
Other names: short protein forms R2225L.
Identifiers: ClinVar variation 1426320 (VCV001426320.8), dbSNP rs990844377, ClinGen allele CA349173037.